The following is an entry in ClinVar:

ClinVar aggregate classification (germline): Pathogenic (1 of 4 stars; one submission).

Submission:

Labcorp Genetics (formerly Invitae), Labcorp
Classification: Pathogenic. Last evaluated: 2023-07-17. Review status: criteria provided, single submitter. Criteria: Invitae Variant Classification Sherloc (09022015). Collection method: clinical testing. Allele origin: germline.
Comment: For these reasons, this variant has been classified as Pathogenic. This variant disrupts the p.Pro192 amino acid residue in RS1. Other variant(s) that disrupt this residue have been determined to be pathogenic (PMID: 9326935, 10533068, 28348004, 30551202, 30652005). This suggests that this residue is clinically significant, and that variants that disrupt this residue are likely to be disease-causing. Experimental studies and prediction algorithms are not available or were not evaluated, and the functional significance of this variant is currently unknown. ClinVar contains an entry for this variant (Variation ID: 1451571). A different variant (c.574C>T) giving rise to the same protein effect has been determined to be pathogenic (PMID: 9326935, 10533068, 28348004, 30551202, 30652005). This suggests that this variant is also likely to be causative of disease. Information on the frequency of this variant in the gnomAD database is not available, as this variant may be reported differently in the database. This sequence change replaces proline, which is neutral and non-polar, with serine, which is neutral and polar, at codon 192 of the RS1 protein (p.Pro192Ser).

Literature cited by the submitters: PubMed 9326935; PubMed 10533068; PubMed 28348004; PubMed 30551202; PubMed 30652005.

NM_000330.4(RS1):c.573_574delinsTT (p.Pro192Ser)

Genes: CDKL5 (cyclin dependent kinase like 5; plus strand), RS1 (retinoschisin 1; minus strand). Cytogenetic location: Xp22.13.
Variant type: Indel.
Coding change: c.573_574delinsTT on transcript NM_000330.4 (MANE Select); coding-DNA positions 573 to 574, GC replaced by TT.
Protein change: p.Pro192Ser; replaces proline 192 with serine.
Molecular consequence: missense variant. On other transcripts: intron variant (2).
Genome position (GRCh38, 1-based): chrX:18,642,105-18,642,106, GC replaced by AA on the plus strand (GC replaced by TT on the coding strand, the reverse complement: RS1 is on the minus strand). VCF-style: chrX-18642105-GC-AA. GRCh37 (hg19) VCF-style: chrX-18660225-GC-AA.
Other names: c.2714-3902_2714-3901delinsAA (NM_003159.3, NM_001037343.2); short protein forms P192S.
Identifiers: ClinVar variation 1451571 (VCV001451571.7), dbSNP rs2147189048, ClinGen allele CA2573158475.